The following is an entry in ClinVar:

NC_000003.11:g.(?_196202082)_(196202203_?)del

Gene: RNF168 (ring finger protein 168; minus strand). Cytogenetic location: 3q29.
Variant type: Deletion.
Identifiers: ClinVar variation 3247061 (VCV003247061.1).

ClinVar aggregate classification (germline): Pathogenic (1 of 4 stars; one submission).

Submission:

Labcorp Genetics (formerly Invitae), Labcorp
Classification: Pathogenic. Last evaluated: 2023-06-20. Review status: criteria provided, single submitter. Criteria: Invitae Variant Classification Sherloc (09022015). Collection method: clinical testing. Allele origin: unknown.
Comment: This variant is a gross deletion of the genomic region encompassing exon(s) 5 of the RNF168 gene. While this deletion is not anticipated to lead to nonsense mediated decay, it is expected to disrupt the C-terminus of the protein. This variant has not been reported in the literature in individuals affected with RNF168-related conditions. This variant disrupts a region of the RNF168 protein in which other variant(s) (p.Gln442Lysfs*45) have been determined to be pathogenic (PMID: 17940005, 19203578). This suggests that this is a clinically significant region of the protein, and that variants that disrupt it are likely to be disease-causing. For these reasons, this variant has been classified as Pathogenic.

Literature cited by the submitters: PubMed 17940005; PubMed 19203578.